The following is an entry in ClinVar:

NM_006790.3(MYOT):c.1253C>T (p.Ala418Val)

Genes: MYOT (myotilin; plus strand), PKD2L2-DT (PKD2L2 divergent transcript; minus strand). Cytogenetic location: 5q31.2.
Variant type: single nucleotide variant.
Coding change: c.1253C>T on transcript NM_006790.3 (MANE Select); coding-DNA position 1253, C replaced by T.
Protein change: p.Ala418Val; replaces alanine 418 with valine.
Molecular consequence: missense variant.
Genome position (GRCh38, 1-based): chr5:137,886,926, C>T. VCF-style: chr5-137886926-C-T. GRCh37 (hg19) VCF-style: chr5-137222615-C-T.
Other names: c.701C>T, p.Ala234Val (NM_001135940.2); c.908C>T, p.Ala303Val (NM_001300911.2); short protein forms A234V, A418V, A303V.
Identifiers: ClinVar variation 1468116 (VCV001468116.6), dbSNP rs2149990334, ClinGen allele CA361056539.
Genomic context (GRCh38, chr5:137,886,926, plus strand): 5'-TATATCAAGATAACACTGGAAGAGTTACTTTACTGATAAAAGATGTAAACAAGAAAGATG[C>T]TGGGTGGTATACTGTGTCAGCAGTTAATGAAGCTGGAGTGACTACATGTAACACAAGATT-3'
Protein context (NP_006781.1, residues 408-428): LLIKDVNKKD[Ala418Val]GWYTVSAVNE

ClinVar aggregate classification (germline): Uncertain significance (1 of 4 stars; one submission).

Conditions:
Myofibrillar myopathy 3 (MFM3). Also called: Muscular dystrophy, proximal, type 1A; Autosomal dominant spheroid body myopathy. Identifiers: Orphanet 266, Orphanet 268129, MedGen C3714934, MONDO:0012215, OMIM 609200.

Submission:

Labcorp Genetics (formerly Invitae), Labcorp
Classification: Uncertain significance for Myofibrillar myopathy 3. Last evaluated: 2021-10-20. Review status: criteria provided, single submitter. Criteria: Invitae Variant Classification Sherloc (09022015). Collection method: clinical testing. Allele origin: germline.
Comment: Algorithms developed to predict the effect of missense changes on protein structure and function are either unavailable or do not agree on the potential impact of this missense change (SIFT: "Tolerated"; PolyPhen-2: "Probably Damaging"; Align-GVGD: "Class C0"). This variant has not been reported in the literature in individuals affected with MYOT-related conditions. This variant is not present in population databases (ExAC no frequency). This sequence change replaces alanine with valine at codon 418 of the MYOT protein (p.Ala418Val). The alanine residue is highly conserved and there is a small physicochemical difference between alanine and valine. In summary, the available evidence is currently insufficient to determine the role of this variant in disease. Therefore, it has been classified as a Variant of Uncertain Significance.